The following is an entry in ClinVar:

ClinVar aggregate classification (germline): Likely pathogenic (1 of 4 stars; one submission).

Conditions:
Lynch syndrome. Identifiers: Orphanet 144, MedGen C4552100, MONDO:0005835. Disease mechanism: loss of function.

Submission:

Women's Health and Genetics/Laboratory Corporation of America, LabCorp
Classification: Likely pathogenic for Lynch syndrome. Last evaluated: 2018-09-13. Review status: criteria provided, single submitter. Criteria: LabCorp Variant Classification Summary - May 2015. Collection method: clinical testing. Allele origin: germline.
Comment: Variant summary: PMS2 c.1351delA (p.Arg451GlyfsX18) results in a premature termination codon, predicted to cause a truncation of the encoded protein or absence of the protein due to nonsense mediated decay, which are commonly known mechanisms for disease. Truncations downstream of this position have been classified as pathogenic by our laboratory (e.g. p.Ile611fsX2, p.Leu625X and p.Gln643X). The variant was absent in 246264 control chromosomes. To our knowledge, no occurrence of c.1351delA in individuals affected with Lynch Syndrome and no experimental evidence demonstrating its impact on protein function have been reported. No clinical diagnostic laboratories have submitted clinical-significance assessments for this variant to ClinVar after 2014. Based on the evidence outlined above, the variant was classified as likely pathogenic.

NM_000535.7(PMS2):c.1351del (p.Arg451fs)

Gene: PMS2 (PMS1 homolog 2, mismatch repair system component; minus strand). Cytogenetic location: 7p22.1.
Variant type: Deletion.
Coding change: c.1351del on transcript NM_000535.7 (MANE Select); coding-DNA position 1351, one base deleted (A; older notation c.1351delA).
Protein change: p.Arg451fs; shifts the reading frame from arginine 451.
Molecular consequence: frameshift variant. On other transcripts: non-coding transcript variant (1).
Genome position (GRCh38, 1-based): chr7:5,987,414, T deleted on the plus strand (A on the coding strand, the reverse complement: PMS2 is on the minus strand); the first of 4 consecutive T bases (chr7:5,987,414-5,987,417); deleting any one gives the same sequence. VCF-style (leftmost placement, unchanged base first): chr7-5987413-CT-C. GRCh37 (hg19) VCF-style: chr7-6027044-CT-C.
Other names: c.946del, p.Arg316fs (NM_001322003.2, NM_001322004.2, NM_001322005.2 and 1 more transcripts); c.1195del, p.Arg399fs (NM_001322006.2); c.1033del, p.Arg345fs (NM_001322007.2, NM_001322008.2); c.790del, p.Arg264fs (NM_001322010.2); c.418del, p.Arg140fs (NM_001322011.2, NM_001322012.2); c.778del, p.Arg260fs (NM_001322013.2); c.1351del, p.Arg451fs (NM_001322014.2); c.1042del, p.Arg348fs (NM_001322015.2); short protein forms R316fs, R451fs, R140fs, R260fs, R348fs, R399fs, R264fs, R345fs.
Identifiers: ClinVar variation 633373 (VCV000633373.1), dbSNP rs1562634268, ClinGen allele CA913189367.